The following is an entry in ClinVar:

ClinVar aggregate classification (germline): Uncertain significance (1 of 4 stars; one submission).

gnomAD v4.1: 1 of 1,614,210 alleles (0.000062%); highest among the groups gnomAD compares: Admixed American, 0.0017%; no homozygotes.

Submission:

Labcorp Genetics (formerly Invitae), Labcorp
Classification: Uncertain significance. Last evaluated: 2025-05-04. Review status: criteria provided, single submitter. Criteria: Invitae Variant Classification Sherloc (09022015). Collection method: clinical testing. Allele origin: germline.
Comment: This sequence change replaces glutamic acid, which is acidic and polar, with lysine, which is basic and polar, at codon 198 of the DSPP protein (p.Glu198Lys). This variant is present in population databases (no rsID available, gnomAD 0.003%). This variant has not been reported in the literature in individuals affected with DSPP-related conditions. An algorithm developed to predict the effect of missense changes on protein structure and function outputs the following: PolyPhen-2: "Benign". The lysine amino acid residue is found in multiple mammalian species, which suggests that this missense change does not adversely affect protein function. In summary, the available evidence is currently insufficient to determine the role of this variant in disease. Therefore, it has been classified as a Variant of Uncertain Significance.

NM_014208.3(DSPP):c.592G>A (p.Glu198Lys)

Genes: DMP1-AS1 (DMP1 and DSPP antisense RNA 1; minus strand), DSPP (dentin sialophosphoprotein; plus strand). Cytogenetic location: 4q22.1.
Variant type: single nucleotide variant.
Coding change: c.592G>A on transcript NM_014208.3 (MANE Select); coding-DNA position 592, G replaced by A.
Protein change: p.Glu198Lys; replaces glutamic acid 198 with lysine.
Molecular consequence: missense variant.
Genome position (GRCh38, 1-based): chr4:87,612,778, G>A. VCF-style: chr4-87612778-G-A. GRCh37 (hg19) VCF-style: chr4-88533930-G-A.
Other names: short protein forms E198K.
Identifiers: ClinVar variation 4759886 (VCV004759886.1).